The following is an entry in ClinVar:

NM_053025.4(MYLK):c.4496C>T (p.Ser1499Leu)

Gene: MYLK (myosin light chain kinase; minus strand). Cytogenetic location: 3q21.1.
Variant type: single nucleotide variant.
Coding change: c.4496C>T on transcript NM_053025.4 (MANE Select); coding-DNA position 4496, C replaced by T.
Protein change: p.Ser1499Leu; replaces serine 1499 with leucine.
Molecular consequence: missense variant.
Genome position (GRCh38, 1-based): chr3:123,647,347, G>A on the plus strand (C>T on the coding strand, the complement: MYLK is on the minus strand). VCF-style: chr3-123647347-G-A. GRCh37 (hg19) VCF-style: chr3-123366194-G-A.
Other names: p.Ser1499Leu; c.3968C>T, p.Ser1323Leu (NM_001321309.2); c.4289C>T, p.Ser1430Leu (NM_053026.4, NM_053028.4); c.4496C>T, p.Ser1499Leu (NM_053027.4); short protein forms S1323L, S1499L, S1430L.
Identifiers: ClinVar variation 4540917 (VCV004540917.1).

ClinVar aggregate classification (germline): Uncertain significance (1 of 4 stars; one submission).

Submission:

Mayo Clinic Laboratories, Mayo Clinic
Classification: Uncertain significance. Last evaluated: 2025-01-29. Review status: criteria provided, single submitter. Criteria: ACMG Guidelines, 2015. Collection method: clinical testing. Allele origin: germline. Observed: 1 variant allele.
Comment: PM2_supporting